The following is an entry in ClinVar:

ClinVar aggregate classification (germline): Uncertain significance (1 of 4 stars; one submission).

Submission:

Women's Health and Genetics/Laboratory Corporation of America, LabCorp
Classification: Uncertain significance. Last evaluated: 2022-04-15. Review status: criteria provided, single submitter. Criteria: LabCorp Variant Classification Summary - May 2015. Collection method: clinical testing. Allele origin: germline.
Comment: Variant summary: The variant identified by MLPA or other technology involves the duplication of exons 1-20 in the TECPR2 gene (whole gene duplication). A presumed nomenclature of c.(?_-278)_(*4225_?)dup has been designated for the purposes of this classification. It has been assumed that this is a tandem duplication in direct orientation (Richardson_GIM_2018, Newman_AJHG_2015). Since exact breakpoints of this duplication are not known, it might extend beyond the assayed region of the TECPR2 gene, including other flanking genes. The variant was absent in 21694 control chromosomes (gnomAD database, Structural Variants dataset). The available data on variant occurrences in the general population are insufficient to allow any conclusion about variant significance. To our knowledge, no occurrence of c.(?_-278)_(*4225_?)dup in individuals affected with Hereditary Spastic Paraplegia, Type 49 and no experimental evidence demonstrating its impact on protein function have been reported. No clinical diagnostic laboratories have submitted clinical-significance assessments for this variant to ClinVar after 2014. Based on the evidence outlined above, large duplication variants involving the full coding sequence of the TECPR2 gene, together with flanking DNA segments that include the essential regulatory regions, were classified as uncertain significance.

NC_000014.8:g.(?_102829248)_(102968819_?)dup

Genes: CINP (cyclin dependent kinase 2 interacting protein; minus strand), TECPR2 (tectonin beta-propeller repeat containing 2; plus strand). Cytogenetic location: 14q32.31.
Variant type: Duplication.
Identifiers: ClinVar variation 1683345 (VCV001683345.1).